The following is an entry in ClinVar:

ClinVar aggregate classification (germline): Uncertain significance (1 of 4 stars; one submission).

Conditions:
ABCC2-related disorder. Also called: ABCC2-related condition.

gnomAD v4.1: 19 of 1,614,026 alleles (0.0012%); highest among the groups gnomAD compares: East Asian, 0.016%; no homozygotes.

Submission:

PreventionGenetics, part of Exact Sciences
Classification: Uncertain significance for ABCC2-related condition. Last evaluated: 2025-11-07. Review status: criteria provided, single submitter. Criteria: ACMG Guidelines, 2015. Collection method: clinical testing. Allele origin: germline.
Comment: The ABCC2 c.3812G>A variant is predicted to result in the amino acid substitution p.Arg1271Gln. This variant was reported along with a second ABCC2 variant in an individual with Intrahepatic cholestasis of pregnancy (Table S3, Liu et al. 2022. PubMed ID: 36046230). This variant is reported in 0.020% of alleles in individuals of East Asian descent in gnomAD. At this time, the clinical significance of this variant is uncertain due to the absence of conclusive functional and genetic evidence.

NM_000392.5(ABCC2):c.3812G>A (p.Arg1271Gln)

Gene: ABCC2 (ATP binding cassette subfamily C member 2; plus strand). Cytogenetic location: 10q24.2.
Variant type: single nucleotide variant.
Coding change: c.3812G>A on transcript NM_000392.5 (MANE Select); coding-DNA position 3812, G replaced by A.
Protein change: p.Arg1271Gln; replaces arginine 1271 with glutamine.
Molecular consequence: missense variant.
Genome position (GRCh38, 1-based): chr10:99,843,869, G>A. VCF-style: chr10-99843869-G-A. GRCh37 (hg19) VCF-style: chr10-101603626-G-A.
Other names: short protein forms R1271Q.
Identifiers: ClinVar variation 4987059 (VCV004987059.1).